The following is an entry in ClinVar:

NM_006269.2(RP1):c.4747A>G (p.Ile1583Val)

Gene: RP1 (RP1 axonemal microtubule associated; plus strand). Cytogenetic location: 8q12.1.
Variant type: single nucleotide variant.
Coding change: c.4747A>G on transcript NM_006269.2 (MANE Select); coding-DNA position 4747, A replaced by G.
Protein change: p.Ile1583Val; replaces isoleucine 1583 with valine.
Molecular consequence: missense variant. On other transcripts: intron variant (1).
Genome position (GRCh38, 1-based): chr8:54,628,629, A>G. VCF-style: chr8-54628629-A-G. GRCh37 (hg19) VCF-style: chr8-55541189-A-G.
Other names: c.787+6341A>G (NM_001375654.1); short protein forms I1583V.
Identifiers: ClinVar variation 950892 (VCV000950892.9), dbSNP rs755186117, ClinGen allele CA4751939.

ClinVar aggregate classification (germline): Uncertain significance (1 of 4 stars; one submission).

Allele frequency attached by ClinVar (database versions not stated): TOPMed 0.00002; ExAC 0.00001; gnomAD 0.00001; gnomAD exomes 0.00001.
gnomAD v4.1: 10 of 1,613,936 alleles (0.00062%); highest among the groups gnomAD compares: Admixed American, 0.012%; no homozygotes.

Submission:

Labcorp Genetics (formerly Invitae), Labcorp
Classification: Uncertain significance. Last evaluated: 2025-12-16. Review status: criteria provided, single submitter. Criteria: Invitae Variant Classification Sherloc (09022015). Collection method: clinical testing. Allele origin: germline.
Comment: This sequence change replaces isoleucine, which is neutral and non-polar, with valine, which is neutral and non-polar, at codon 1583 of the RP1 protein (p.Ile1583Val). This variant is present in population databases (rs755186117, gnomAD 0.01%). This variant has not been reported in the literature in individuals affected with RP1-related conditions. ClinVar contains an entry for this variant (Variation ID: 950892). An algorithm developed to predict the effect of missense changes on protein structure and function (PolyPhen-2) suggests that this variant is likely to be tolerated. In summary, the available evidence is currently insufficient to determine the role of this variant in disease. Therefore, it has been classified as a Variant of Uncertain Significance.